The following is an entry in ClinVar:

NM_181672.3(OGT):c.2111T>G (p.Phe704Cys)

Gene: OGT (O-linked N-acetylglucosamine (GlcNAc) transferase; plus strand). Cytogenetic location: Xq13.1.
Variant type: single nucleotide variant.
Coding change: c.2111T>G on transcript NM_181672.3 (MANE Select); coding-DNA position 2111, T replaced by G.
Protein change: p.Phe704Cys; replaces phenylalanine 704 with cysteine.
Molecular consequence: missense variant.
Genome position (GRCh38, 1-based): chrX:71,562,980, T>G. VCF-style: chrX-71562980-T-G. GRCh37 (hg19) VCF-style: chrX-70782830-T-G.
Other names: c.2081T>G, p.Phe694Cys (NM_181673.3); short protein forms F694C, F704C.
Identifiers: ClinVar variation 3393646 (VCV003393646.1).
Genomic context (GRCh38, chrX:71,562,980, plus strand): 5'-CGCCAGCTGAAGTTGCTGAGCAGTATTCCGAGAAATTGGCTTATATGCCCCACACTTTTT[T>G]TATTGGTGATCATGCTAATATGTTCCCTCACCTGAAGGTAGGTATGAAACAGTGCTATGG-3'
Protein context (NP_858058.1, residues 694-714): EKLAYMPHTF[Phe704Cys]IGDHANMFPH

ClinVar aggregate classification (germline): Uncertain significance (1 of 4 stars; one submission).

Submission:

GeneDx
Classification: Uncertain significance. Last evaluated: 2024-06-27. Review status: criteria provided, single submitter. Criteria: GeneDx Variant Classification Process June 2021. Collection method: clinical testing. Allele origin: germline. Affected: yes.
Comment: Not observed at significant frequency in large population cohorts (gnomAD); In silico analysis supports that this missense variant has a deleterious effect on protein structure/function; Has not been previously published as pathogenic or benign to our knowledge